The following is an entry in ClinVar:

ClinVar aggregate classification (germline): Uncertain significance (1 of 4 stars; one submission).

Allele frequency attached by ClinVar (database versions not stated): TOPMed below 0.00001; gnomAD exomes 0.00002 and 0.00005; ExAC 0.00005.
gnomAD v4.1: 28 of 1,614,212 alleles (0.0017%); highest among the groups gnomAD compares: Admixed American, 0.017%; no homozygotes.

Submission:

Labcorp Genetics (formerly Invitae), Labcorp
Classification: Uncertain significance. Last evaluated: 2022-08-15. Review status: criteria provided, single submitter. Criteria: Invitae Variant Classification Sherloc (09022015). Collection method: clinical testing. Allele origin: germline.
Comment: This sequence change replaces arginine, which is basic and polar, with histidine, which is basic and polar, at codon 1460 of the SZT2 protein (p.Arg1460His). This variant is present in population databases (rs746703379, gnomAD 0.02%). This variant has not been reported in the literature in individuals affected with SZT2-related conditions. ClinVar contains an entry for this variant (Variation ID: 1387010). Algorithms developed to predict the effect of missense changes on protein structure and function are either unavailable or do not agree on the potential impact of this missense change (SIFT: "Deleterious"; PolyPhen-2: "Probably Damaging"; Align-GVGD: "Class C0"). In summary, the available evidence is currently insufficient to determine the role of this variant in disease. Therefore, it has been classified as a Variant of Uncertain Significance.

NM_001365999.1(SZT2):c.4550G>A (p.Arg1517His)

Gene: SZT2 (SZT2 subunit of KICSTOR complex; plus strand). Cytogenetic location: 1p34.2.
Variant type: single nucleotide variant.
Coding change: c.4550G>A on transcript NM_001365999.1 (MANE Select); coding-DNA position 4550, G replaced by A.
Protein change: p.Arg1517His; replaces arginine 1517 with histidine.
Molecular consequence: missense variant.
Genome position (GRCh38, 1-based): chr1:43,430,565, G>A. VCF-style: chr1-43430565-G-A. GRCh37 (hg19) VCF-style: chr1-43896236-G-A.
Other names: c.4379G>A, p.Arg1460His (NM_015284.4); short protein forms R1517H, R1460H.
Identifiers: ClinVar variation 1387010 (VCV001387010.3), dbSNP rs746703379, ClinGen allele CA809326.